The following is an entry in ClinVar:

ClinVar aggregate classification (germline): Pathogenic (1 of 4 stars; one submission).

Conditions:
Early-infantile DEE. Also called: Early infantile epileptic encephalopathy; Ohtahara syndrome; Early infantile epileptic encephalopathy with suppression bursts. Identifiers: Orphanet 1934, MedGen C0393706, MONDO:0800491.

Submission:

Labcorp Genetics (formerly Invitae), Labcorp
Classification: Pathogenic for Early-infantile DEE. Last evaluated: 2022-10-28. Review status: criteria provided, single submitter. Criteria: Invitae Variant Classification Sherloc (09022015). Collection method: clinical testing. Allele origin: germline.
Comment: For these reasons, this variant has been classified as Pathogenic. Algorithms developed to predict the effect of sequence changes on RNA splicing suggest that this variant may disrupt the consensus splice site. ClinVar contains an entry for this variant (Variation ID: 957533). Disruption of this splice site has been observed in individual(s) with SCN1A-related conditions (PMID: 17561957). In at least one individual the variant was observed to be de novo. This variant is not present in population databases (gnomAD no frequency). This sequence change affects an acceptor splice site in intron 16 of the SCN1A gene. It is expected to disrupt RNA splicing. Variants that disrupt the donor or acceptor splice site typically lead to a loss of protein function (PMID: 16199547), and loss-of-function variants in SCN1A are known to be pathogenic (PMID: 17347258, 18930999).

Literature cited by the submitters: PubMed 17561957; PubMed 16199547; PubMed 17347258; PubMed 18930999.

NM_001165963.4(SCN1A):c.3430-2A>G

Genes: SCN1A (sodium voltage-gated channel alpha subunit 1; minus strand), LOC102724058 (uncharacterized LOC102724058; plus strand). Cytogenetic location: 2q24.3.
Variant type: single nucleotide variant.
Coding change: c.3430-2A>G on transcript NM_001165963.4 (MANE Select); the canonical splice acceptor site of the intron before coding-DNA position 3430, A replaced by G.
Molecular consequence: splice acceptor variant. On other transcripts: non-coding transcript variant (1).
Genome position (GRCh38, 1-based): chr2:166,015,729, T>C on the plus strand (A>G on the coding strand, the complement: SCN1A is on the minus strand). VCF-style: chr2-166015729-T-C. GRCh37 (hg19) VCF-style: chr2-166872239-T-C.
Other names: c.3397-2A>G (NM_001353949.2, NM_001353950.2, NM_001353951.2 and 2 more transcripts); c.3346-2A>G (NM_001353958.2, NM_001353957.2, NM_001165964.3); c.3430-2A>G (NM_001202435.3, NM_001353948.2); c.3394-2A>G (NM_001353955.2, NM_001353954.2); c.3343-2A>G (NM_001353960.2); c.988-2A>G (NM_001353961.2).
Identifiers: ClinVar variation 957533 (VCV000957533.9), dbSNP rs1693198997, ClinGen allele CA349056851.